The following is an entry in ClinVar:

ClinVar aggregate classification (germline): Uncertain significance. Review status: criteria provided, multiple submitters, no conflicts (2 of 4 stars). 2 submissions from 2 submitters: Uncertain significance (2). Last evaluated 2025-05-27.

Conditions:
Hereditary cancer-predisposing syndrome. Also called: Neoplastic Syndromes, Hereditary; Hereditary Cancer Syndrome; Hereditary neoplastic syndrome; Tumor predisposition. Identifiers: Orphanet 140162, MedGen C0027672, MeSH D009386, MONDO:0015356.
Renal cell carcinoma. Identifiers: Orphanet 217071, MedGen C0007134, MeSH D002292, MONDO:0005086, HP:0005584.

Submissions (2):

Ambry Genetics
Classification: Uncertain significance for Hereditary cancer-predisposing syndrome. Last evaluated: 2025-05-27. Review status: criteria provided, single submitter. Criteria: Ambry Variant Classification Scheme 2023. Collection method: clinical testing. Allele origin: germline.
Comment: The p.R307K variant (also known as c.920G>A), located in coding exon 1 of the MET gene, results from a G to A substitution at nucleotide position 920. The arginine at codon 307 is replaced by lysine, an amino acid with highly similar properties. This amino acid position is highly conserved in available vertebrate species. In addition, this alteration is predicted to be tolerated by in silico analysis. Since supporting evidence is limited at this time, the clinical significance of this alteration remains unclear.

Labcorp Genetics (formerly Invitae), Labcorp
Classification: Uncertain significance for Renal cell carcinoma. Last evaluated: 2024-06-21. Review status: criteria provided, single submitter. Criteria: Invitae Variant Classification Sherloc (09022015). Collection method: clinical testing. Allele origin: germline.
Comment: This sequence change replaces arginine, which is basic and polar, with lysine, which is basic and polar, at codon 307 of the MET protein (p.Arg307Lys). This variant is not present in population databases (gnomAD no frequency). This variant has not been reported in the literature in individuals affected with MET-related conditions. ClinVar contains an entry for this variant (Variation ID: 1437484). Advanced modeling of protein sequence and biophysical properties (such as structural, functional, and spatial information, amino acid conservation, physicochemical variation, residue mobility, and thermodynamic stability) performed at Invitae indicates that this missense variant is not expected to disrupt MET protein function with a negative predictive value of 80%. In summary, the available evidence is currently insufficient to determine the role of this variant in disease. Therefore, it has been classified as a Variant of Uncertain Significance.

NM_000245.4(MET):c.920G>A (p.Arg307Lys)

Gene: MET (MET proto-oncogene, receptor tyrosine kinase; plus strand). Cytogenetic location: 7q31.2.
Variant type: single nucleotide variant.
Coding change: c.920G>A on transcript NM_000245.4 (MANE Select); coding-DNA position 920, G replaced by A.
Protein change: p.Arg307Lys; replaces arginine 307 with lysine.
Molecular consequence: missense variant. On other transcripts: intron variant (1).
Genome position (GRCh38, 1-based): chr7:116,700,004, G>A. VCF-style: chr7-116700004-G-A. GRCh37 (hg19) VCF-style: chr7-116340058-G-A.
Other names: c.920G>A, p.Arg307Lys (NM_001127500.3, NM_001324401.3); c.-91+27427G>A (NM_001324402.2); short protein forms R307K.
Identifiers: ClinVar variation 1437484 (VCV001437484.9), dbSNP rs2116600992, ClinGen allele CA368970148.
Genomic context (GRCh38, chr7:116,700,004, plus strand): 5'-GATTGCATTCCTACATGGAAATGCCTCTGGAGTGTATTCTCACAGAAAAGAGAAAAAAGA[G>A]ATCCACAAAGAAGGAAGTGTTTAATATACTTCAGGCTGCGTATGTCAGCAAGCCTGGGGC-3'
Protein context (NP_000236.2, residues 297-317): ECILTEKRKK[Arg307Lys]STKKEVFNIL